The following is an entry in ClinVar:

NM_001142864.4(PIEZO1):c.2791-6C>A

Genes: HSALR1 (HSP90AB1 associated lncRNA 1; plus strand), PIEZO1 (piezo type mechanosensitive ion channel component 1 (Er blood group); minus strand). Cytogenetic location: 16q24.3.
Variant type: single nucleotide variant.
Coding change: c.2791-6C>A on transcript NM_001142864.4 (MANE Select); 6 bases into the intron before coding-DNA position 2791, C replaced by A.
Molecular consequence: intron variant.
Genome position (GRCh38, 1-based): chr16:88,732,541, G>T on the plus strand (C>A on the coding strand, the complement: PIEZO1 is on the minus strand). VCF-style: chr16-88732541-G-T. GRCh37 (hg19) VCF-style: chr16-88798949-G-T.
Identifiers: ClinVar variation 4974675 (VCV004974675.1).

ClinVar aggregate classification (germline): Uncertain significance (1 of 4 stars; one submission).

Conditions:
Lymphatic malformation 6 (LMPHM6). Also called: GENERALIZED LYMPHATIC DYSPLASIA OF FOTIOU; Lymphedema, hereditary, III; PIEZO1-related generalized lymphatic dysplasia with non-immune hydrops fetalis. Identifiers: Orphanet 568062, MedGen C4225184, MONDO:0014797, OMIM 616843.

gnomAD v4.1: 3 of 1,544,972 alleles (0.00019%); highest among the groups gnomAD compares: Non-Finnish European, 0.000088%; no homozygotes.

Submission:

Clinical Genomics Laboratory, Washington University in St. Louis
Classification: Uncertain significance for Lymphatic malformation 6. Last evaluated: 2025-10-28. Review status: criteria provided, single submitter. Criteria: ACMG Guidelines, 2015. Collection method: clinical testing. Allele origin: germline.
Comment: A PIEZO1 c.2791-6C>A variant was identified at a near heterozygous allelic fraction of 49.5%, a frequency which may be consistent with it being of germline origin. This variant, to our knowledge, has not been reported in the medical literature and is only observed on 3/1,544,972 alleles in the general population (gnomAD v4.1.0), indicating it is not a common variant. Computational predictors indicate that the variant has no impact on splicing, evidence that this variant does not have a damaging effect on PIEZO1 function. Due to limited information, and based on ACMG/AMP guidelines for variant interpretation (Richards S et al., PMID: 25741868), the clinical significance of this variant is uncertain at this time.